The following is an entry in ClinVar:

ClinVar aggregate classification (germline): Uncertain significance (1 of 4 stars; one submission).

Conditions:
Hereditary cancer-predisposing syndrome. Also called: Neoplastic Syndromes, Hereditary; Tumor predisposition; Hereditary Cancer Syndrome; Hereditary neoplastic syndrome. Identifiers: Orphanet 140162, MedGen C0027672, MeSH D009386, MONDO:0015356.

Submission:

Ambry Genetics
Classification: Uncertain significance for Hereditary cancer-predisposing syndrome. Last evaluated: 2026-05-19. Review status: criteria provided, single submitter. Criteria: Ambry Variant Classification Scheme 2023. Collection method: clinical testing. Allele origin: germline.
Comment: The p.F814V variant (also known as c.2440T>G), located in coding exon 18 of the MSH3 gene, results from a T to G substitution at nucleotide position 2440. The phenylalanine at codon 814 is replaced by valine, an amino acid with highly similar properties. This amino acid position is conserved. In addition, this alteration is predicted to be deleterious by in silico analysis. Based on the available evidence, the clinical significance of this variant remains unclear.

NM_002439.5(MSH3):c.2440T>G (p.Phe814Val)

Gene: MSH3 (mutS homolog 3; plus strand). Cytogenetic location: 5q14.1.
Variant type: single nucleotide variant.
Coding change: c.2440T>G on transcript NM_002439.5 (MANE Select); coding-DNA position 2440, T replaced by G.
Protein change: p.Phe814Val; replaces phenylalanine 814 with valine.
Molecular consequence: missense variant.
Genome position (GRCh38, 1-based): chr5:80,787,569, T>G. VCF-style: chr5-80787569-T-G. GRCh37 (hg19) VCF-style: chr5-80083388-T-G.
Other names: short protein forms F814V.
Identifiers: ClinVar variation 4860356 (VCV004860356.1).